The following is an entry in ClinVar:

ClinVar aggregate classification (germline): Uncertain significance (1 of 4 stars; one submission).

Conditions:
IFT172-related disorder. Also called: IFT172-related condition; IFT172-related disorders.

Allele frequency attached by ClinVar (database versions not stated): gnomAD exomes below 0.00001; ExAC 0.00001.
gnomAD v4.1: 2 of 1,614,126 alleles (0.00012%); highest among the groups gnomAD compares: Non-Finnish European, 0.00017%; no homozygotes.

Submission:

PreventionGenetics, part of Exact Sciences
Classification: Uncertain significance for IFT172-related condition. Last evaluated: 2022-11-30. Review status: criteria provided, single submitter. Criteria: ACMG Guidelines, 2015. Collection method: clinical testing. Allele origin: germline.
Comment: The IFT172 c.157T>A variant is predicted to result in the amino acid substitution p.Phe53Ile. To our knowledge, this variant has not been reported in the literature. This variant is reported in 0.00088% of alleles in individuals of European (Non-Finnish) descent in gnomAD. At this time, the clinical significance of this variant is uncertain due to the absence of conclusive functional and genetic evidence.

NM_015662.3(IFT172):c.157T>A (p.Phe53Ile)

Gene: IFT172 (intraflagellar transport 172; minus strand). Cytogenetic location: 2p23.3.
Variant type: single nucleotide variant.
Coding change: c.157T>A on transcript NM_015662.3 (MANE Select); coding-DNA position 157, T replaced by A.
Protein change: p.Phe53Ile; replaces phenylalanine 53 with isoleucine.
Molecular consequence: missense variant.
Genome position (GRCh38, 1-based): chr2:27,485,386, A>T on the plus strand (T>A on the coding strand, the complement: IFT172 is on the minus strand). VCF-style: chr2-27485386-A-T. GRCh37 (hg19) VCF-style: chr2-27708253-A-T.
Other names: c.157T>A, p.Phe53Ile (NM_001410739.1); short protein forms F53I.
Identifiers: ClinVar variation 2636702 (VCV002636702.1), dbSNP rs776310391, ClinGen allele CA1581111.